The following is an entry in ClinVar:

NM_001987.5(ETV6):c.790C>A (p.Arg264Ser)

Gene: ETV6 (ETS variant transcription factor 6; plus strand). Cytogenetic location: 12p13.2.
Variant type: single nucleotide variant.
Coding change: c.790C>A on transcript NM_001987.5 (MANE Select); coding-DNA position 790, C replaced by A.
Protein change: p.Arg264Ser; replaces arginine 264 with serine.
Molecular consequence: missense variant.
Genome position (GRCh38, 1-based): chr12:11,869,750, C>A. VCF-style: chr12-11869750-C-A. GRCh37 (hg19) VCF-style: chr12-12022684-C-A.
Other names: c.787C>A, p.Arg263Ser (NM_001413913.1); c.763C>A, p.Arg255Ser (NM_001413914.1); c.526C>A, p.Arg176Ser (NM_001413915.1); c.790C>A, p.Arg264Ser (NM_001413916.1, NM_001413917.1); short protein forms R263S, R264S, R176S, R255S.
Identifiers: ClinVar variation 4824066 (VCV004824066.1).

ClinVar aggregate classification (germline): Uncertain significance (1 of 4 stars; one submission).

Conditions:
Inborn genetic diseases. Identifiers: MedGen C0950123, MeSH D030342.

Submission:

Ambry Genetics
Classification: Uncertain significance for Inborn genetic diseases. Last evaluated: 2026-02-13. Review status: criteria provided, single submitter. Criteria: Ambry Variant Classification Scheme 2023. Collection method: clinical testing. Allele origin: germline.
Comment: The p.R264S variant (also known as c.790C>A), located in coding exon 5 of the ETV6 gene, results from a C to A substitution at nucleotide position 790. The arginine at codon 264 is replaced by serine, an amino acid with dissimilar properties. This amino acid position is highly conserved in available vertebrate species. In addition, the in silico prediction for this alteration is inconclusive. Based on the available evidence, the clinical significance of this variant remains unclear.